The following is an entry in ClinVar:

NM_003070.5(SMARCA2):c.242A>T (p.His81Leu)

Gene: SMARCA2 (SWI/SNF related BAF chromatin remodeling complex subunit ATPase 2; plus strand). Cytogenetic location: 9p24.3.
Variant type: single nucleotide variant.
Coding change: c.242A>T on transcript NM_003070.5 (MANE Select); coding-DNA position 242, A replaced by T.
Protein change: p.His81Leu; replaces histidine 81 with leucine.
Molecular consequence: missense variant.
Genome position (GRCh38, 1-based): chr9:2,032,968, A>T. VCF-style: chr9-2032968-A-T. GRCh37 (hg19) VCF-style: chr9-2032968-A-T.
Other names: c.242A>T, p.His81Leu (NM_139045.4, NM_001289396.2, NM_001289397.2); short protein forms H81L.
Identifiers: ClinVar variation 3652211 (VCV003652211.2).

ClinVar aggregate classification (germline): Uncertain significance (1 of 4 stars; one submission).

gnomAD v4.1: 2 of 1,613,960 alleles (0.00012%); highest among the groups gnomAD compares: Middle Eastern, 0.016%; no homozygotes.

Submission:

Labcorp Genetics (formerly Invitae), Labcorp
Classification: Uncertain significance. Last evaluated: 2025-06-09. Review status: criteria provided, single submitter. Criteria: Invitae Variant Classification Sherloc (09022015). Collection method: clinical testing. Allele origin: germline.
Comment: This sequence change replaces histidine, which is basic and polar, with leucine, which is neutral and non-polar, at codon 81 of the SMARCA2 protein (p.His81Leu). This variant is not present in population databases (gnomAD no frequency). This variant has not been reported in the literature in individuals affected with SMARCA2-related conditions. ClinVar contains an entry for this variant (Variation ID: 3652211). Invitae Evidence Modeling of protein sequence and biophysical properties (such as structural, functional, and spatial information, amino acid conservation, physicochemical variation, residue mobility, and thermodynamic stability) indicates that this missense variant is not expected to disrupt SMARCA2 protein function with a negative predictive value of 95%. In summary, the available evidence is currently insufficient to determine the role of this variant in disease. Therefore, it has been classified as a Variant of Uncertain Significance.